The following is an entry in ClinVar:

ClinVar aggregate classification (germline): Uncertain significance (1 of 4 stars; one submission).

Allele frequency attached by ClinVar (database versions not stated): gnomAD exomes 0.00001.
gnomAD v4.1: 5 of 1,613,610 alleles (0.00031%); highest among the groups gnomAD compares: Non-Finnish European, 0.00042%; no homozygotes.

Submission:

Labcorp Genetics (formerly Invitae), Labcorp
Classification: Uncertain significance. Last evaluated: 2023-09-01. Review status: criteria provided, single submitter. Criteria: Invitae Variant Classification Sherloc (09022015). Collection method: clinical testing. Allele origin: germline.
Comment: This sequence change replaces valine, which is neutral and non-polar, with alanine, which is neutral and non-polar, at codon 1147 of the ALPK1 protein (p.Val1147Ala). This variant is not present in population databases (gnomAD no frequency). This variant has not been reported in the literature in individuals affected with ALPK1-related conditions. An algorithm developed to predict the effect of missense changes on protein structure and function (PolyPhen-2) suggests that this variant is likely to be tolerated. In summary, the available evidence is currently insufficient to determine the role of this variant in disease. Therefore, it has been classified as a Variant of Uncertain Significance.

NM_025144.4(ALPK1):c.3440T>C (p.Val1147Ala)

Gene: ALPK1 (alpha kinase 1; plus strand). Cytogenetic location: 4q25.
Variant type: single nucleotide variant.
Coding change: c.3440T>C on transcript NM_025144.4 (MANE Select); coding-DNA position 3440, T replaced by C.
Protein change: p.Val1147Ala; replaces valine 1147 with alanine.
Molecular consequence: missense variant.
Genome position (GRCh38, 1-based): chr4:112,439,774, T>C. VCF-style: chr4-112439774-T-C. GRCh37 (hg19) VCF-style: chr4-113360930-T-C.
Other names: c.3440T>C, p.Val1147Ala (NM_001102406.2); c.3206T>C, p.Val1069Ala (NM_001253884.2); short protein forms V1147A, V1069A.
Identifiers: ClinVar variation 2787157 (VCV002787157.3), dbSNP rs2476518328, ClinGen allele CA357909273.